The following is an entry in ClinVar:

NM_001378204.1(CCDC18):c.3506C>T (p.Ser1169Phe)

Gene: CCDC18 (coiled-coil domain containing 18; plus strand). Cytogenetic location: 1p22.1.
Variant type: single nucleotide variant.
Coding change: c.3506C>T on transcript NM_001378204.1 (MANE Select); coding-DNA position 3506, C replaced by T.
Protein change: p.Ser1169Phe; replaces serine 1169 with phenylalanine.
Molecular consequence: missense variant.
Genome position (GRCh38, 1-based): chr1:93,256,498, C>T. VCF-style: chr1-93256498-C-T. GRCh37 (hg19) VCF-style: chr1-93722055-C-T.
Other names: c.3506C>T (NM_206886.3); c.3503C>T, p.Ser1168Phe (NM_001306076.1); c.3506C>T, p.Ser1169Phe (NM_206886.4); short protein forms S1168F, S1169F.
Identifiers: ClinVar variation 3045003 (VCV003045003.3), dbSNP rs112487174, ClinGen allele CA954588.
Genomic context (GRCh38, chr1:93,256,498, plus strand): 5'-CAGAATTGGCAGAGGCTCGTCATCAGCAAGTCCAAGCACAGAGAGAAATAGAAAGGCTCT[C>T]TAGTGAACTGGAGGATATGAAGCAACTCTCTAAAGAGAAAGTAATCCCTATTTTAAATAA-3'
Protein context (NP_001365133.1, residues 1159-1179): VQAQREIERL[Ser1169Phe]SELEDMKQLS

ClinVar aggregate classification (germline): Uncertain significance. Review status: criteria provided, single submitter (1 of 4 stars). 2 submissions from 2 submitters: Uncertain significance (1). 1 of the submissions does not count toward it. Last evaluated 2025-08-02.

Conditions:
CCDC18-related disorder. Also called: CCDC18-related condition.

Allele frequency attached by ClinVar (database versions not stated): gnomAD exomes 0.00018; ExAC 0.00047; 1000 Genomes Project 0.00160; gnomAD 0.00162; TOPMed 0.00164; 1000 Genomes Project 30x 0.00172; ESP Exome Variant Server 0.00185.
gnomAD v4.1: 531 of 1,614,022 alleles (0.033%); highest among the groups gnomAD compares: African/African-American, 0.59%; 1 homozygote.

Submissions (2):

Ambry Genetics
Classification: Uncertain significance. Last evaluated: 2025-08-02. Review status: criteria provided, single submitter. Criteria: Ambry Variant Classification Scheme 2023. Collection method: clinical testing. Allele origin: germline.

PreventionGenetics, part of Exact Sciences
Classification: Likely benign for CCDC18-related condition. Last evaluated: 2019-11-11. Review status: no assertion criteria provided. Collection method: clinical testing. Allele origin: germline. Not counted in ClinVar's aggregate classification.
Comment: This variant is classified as likely benign based on ACMG/AMP sequence variant interpretation guidelines (Richards et al. 2015 PMID: 25741868, with internal and published modifications).